The following is an entry in ClinVar:

NM_000065.5(C6):c.107C>A (p.Ser36Ter)

Gene: C6 (complement C6; minus strand). Cytogenetic location: 5p13.1.
Variant type: single nucleotide variant.
Coding change: c.107C>A on transcript NM_000065.5 (MANE Select); coding-DNA position 107, C replaced by A.
Protein change: p.Ser36Ter; replaces serine 36 with a stop codon.
Molecular consequence: nonsense.
Genome position (GRCh38, 1-based): chr5:41,203,124, G>T on the plus strand (C>A on the coding strand, the complement: C6 is on the minus strand). VCF-style: chr5-41203124-G-T. GRCh37 (hg19) VCF-style: chr5-41203226-G-T.
Other names: c.107C>A, p.Ser36Ter (NM_001115131.4); short protein forms S36*.
Identifiers: ClinVar variation 1032162 (VCV001032162.1), dbSNP rs1329836511, ClinGen allele CA359605542.

ClinVar aggregate classification (germline): Pathogenic (1 of 4 stars; one submission).

Conditions:
Complement component 6 deficiency (C6D). Also called: C6 DEFICIENCY. Identifiers: MedGen C2676232, MONDO:0012908, OMIM 612446.

gnomAD v4.1: 1 of 1,614,058 alleles (0.000062%); highest among the groups gnomAD compares: Admixed American, 0.0017%; no homozygotes.

Submission:

Baylor Genetics
Classification: Pathogenic for Complement component 6 deficiency. Last evaluated: 2018-07-25. Review status: criteria provided, single submitter. Criteria: ACMG Guidelines, 2015. Collection method: clinical testing. Allele origin: maternal. Affected: yes.
Comment: This variant was determined to be pathogenic according to ACMG Guidelines, 2015 [PMID:25741868].